The following is an entry in ClinVar:

NM_000489.6(ATRX):c.6200A>T (p.Lys2067Ile)

Gene: ATRX (ATRX chromatin remodeler; minus strand). Cytogenetic location: Xq21.1.
Variant type: single nucleotide variant.
Coding change: c.6200A>T on transcript NM_000489.6 (MANE Select); coding-DNA position 6200, A replaced by T.
Protein change: p.Lys2067Ile; replaces lysine 2067 with isoleucine.
Molecular consequence: missense variant.
Genome position (GRCh38, 1-based): chrX:77,589,851, T>A on the plus strand (A>T on the coding strand, the complement: ATRX is on the minus strand). VCF-style: chrX-77589851-T-A. GRCh37 (hg19) VCF-style: chrX-76845321-T-A.
Other names: c.6086A>T, p.Lys2029Ile (NM_138270.5); short protein forms K2029I, K2067I.
Identifiers: ClinVar variation 2087197 (VCV002087197.4), dbSNP rs2521425075, ClinGen allele CA413702309.

ClinVar aggregate classification (germline): Uncertain significance (1 of 4 stars; one submission).

Conditions:
Alpha thalassemia-X-linked intellectual disability syndrome (ATRX). Also called: ALPHA-THALASSEMIA/MENTAL RETARDATION SYNDROME, X-LINKED; ATR, NONDELETION TYPE; ATR-X syndrome; Alpha thalassemia mental retardation syndrome, nondeletion type, X-linked; XLMR hypotonic face syndrome; X-linked alpha-thalassemia-mental retardation syndrome. Identifiers: Orphanet 847, MedGen C1845055, MONDO:0010519, OMIM 301040.

Submission:

Labcorp Genetics (formerly Invitae), Labcorp
Classification: Uncertain significance for Alpha thalassemia-X-linked intellectual disability syndrome. Last evaluated: 2022-08-22. Review status: criteria provided, single submitter. Criteria: Invitae Variant Classification Sherloc (09022015). Collection method: clinical testing. Allele origin: germline.
Comment: This variant has not been reported in the literature in individuals affected with ATRX-related conditions. In summary, the available evidence is currently insufficient to determine the role of this variant in disease. Therefore, it has been classified as a Variant of Uncertain Significance. Algorithms developed to predict the effect of missense changes on protein structure and function are either unavailable or do not agree on the potential impact of this missense change (SIFT: "Deleterious"; PolyPhen-2: "Possibly Damaging"; Align-GVGD: "Class C0"). This variant is not present in population databases (gnomAD no frequency). This sequence change replaces lysine, which is basic and polar, with isoleucine, which is neutral and non-polar, at codon 2067 of the ATRX protein (p.Lys2067Ile).